The following is an entry in ClinVar:

NM_000053.4(ATP7B):c.1188A>C (p.Glu396Asp)

Gene: ATP7B (ATPase copper transporting beta; minus strand). Cytogenetic location: 13q14.3.
Variant type: single nucleotide variant.
Coding change: c.1188A>C on transcript NM_000053.4 (MANE Select); coding-DNA position 1188, A replaced by C.
Protein change: p.Glu396Asp; replaces glutamic acid 396 with aspartic acid.
Molecular consequence: missense variant.
Genome position (GRCh38, 1-based): chr13:51,974,032, T>G on the plus strand (A>C on the coding strand, the complement: ATP7B is on the minus strand). VCF-style: chr13-51974032-T-G. GRCh37 (hg19) VCF-style: chr13-52548168-T-G.
Other names: c.1188A>C, p.Glu396Asp (NM_001005918.3, NM_001330578.2, NM_001330579.2 and 29 more transcripts); c.855A>C, p.Glu285Asp (NM_001243182.2); c.1092A>C, p.Glu364Asp (NM_001406517.1, NM_001406518.1, NM_001406543.1 and 3 more transcripts); c.759A>C, p.Glu253Asp (NM_001406539.1); short protein forms E396D, E253D, E285D, E364D.
Identifiers: ClinVar variation 1975293 (VCV001975293.6), dbSNP rs1951977131, ClinGen allele CA388038496.
Genomic context (GRCh38, chr13:51,974,032, plus strand): 5'-AGCAGCTCTGAGTTCTTCTGGGCTAATTACAGAGGGATTATAAAGAACTGTTGCAGTCCC[T>G]TCGGCCAAAGACACCGATATTTGCTGCACCCCTTCCAGTTGGGAGATCATGCCTTCAATG-3'
Protein context (NP_000044.2, residues 386-406): GVQQISVSLA[Glu396Asp]GTATVLYNPS

ClinVar aggregate classification (germline): Uncertain significance. Review status: criteria provided, multiple submitters, no conflicts (2 of 4 stars). 2 submissions from 2 submitters: Uncertain significance (2). Last evaluated 2023-10-06.

Conditions:
Wilson disease (WND). Also called: Wilson's disease. Identifiers: Orphanet 905, MedGen C0019202, MONDO:0010200, OMIM 277900. Disease mechanism: loss of function.

Submissions (2):

All of Us Research Program, National Institutes of Health
Classification: Uncertain significance for Wilson disease. Last evaluated: 2023-10-06. Review status: criteria provided, single submitter. Criteria: ACMG Guidelines, 2015. Collection method: clinical testing. Allele origin: germline. Inheritance: Autosomal recessive inheritance. Observed: 1 variant allele, 1 heterozygote.
Comment: This missense variant replaces glutamic acid with aspartic acid at codon 396 of the ATP7B protein. Computational prediction suggests that this variant may not impact protein structure and function (internally defined REVEL score threshold <= 0.5, PMID: 27666373). To our knowledge, functional studies have not been reported for this variant. This variant has not been reported in individuals affected with ATP7B-related disorders in the literature. This variant has not been identified in the general population by the Genome Aggregation Database (gnomAD). The available evidence is insufficient to determine the role of this variant in disease conclusively. Therefore, this variant is classified as a Variant of Uncertain Significance.

This study involves interpretation of variants in research participants for the purpose of population health screening. Participant phenotype was not available at the time of variant classification. Additional details can be found in publication PMID: 35346344, PMCID: PMC8962531

Labcorp Genetics (formerly Invitae), Labcorp
Classification: Uncertain significance for Wilson disease. Last evaluated: 2022-07-19. Review status: criteria provided, single submitter. Criteria: Invitae Variant Classification Sherloc (09022015). Collection method: clinical testing. Allele origin: germline.
Comment: This sequence change replaces glutamic acid, which is acidic and polar, with aspartic acid, which is acidic and polar, at codon 396 of the ATP7B protein (p.Glu396Asp). This variant is not present in population databases (gnomAD no frequency). This variant has not been reported in the literature in individuals affected with ATP7B-related conditions. Advanced modeling of protein sequence and biophysical properties (such as structural, functional, and spatial information, amino acid conservation, physicochemical variation, residue mobility, and thermodynamic stability) performed at Invitae indicates that this missense variant is not expected to disrupt ATP7B protein function. In summary, the available evidence is currently insufficient to determine the role of this variant in disease. Therefore, it has been classified as a Variant of Uncertain Significance.